The following is an entry in ClinVar:

ClinVar aggregate classification (germline): Uncertain significance (1 of 4 stars; one submission).

Conditions:
Pure or complex autosomal recessive spastic paraplegia. Identifiers: Orphanet 320346, MedGen C5679887, MONDO:0017915.

gnomAD v4.1: 4 of 1,613,890 alleles (0.00025%); highest among the groups gnomAD compares: Non-Finnish European, 0.00034%; no homozygotes.

Submission:

Labcorp Genetics (formerly Invitae), Labcorp
Classification: Uncertain significance for Pure or complex autosomal recessive spastic paraplegia. Last evaluated: 2024-08-08. Review status: criteria provided, single submitter. Criteria: Invitae Variant Classification Sherloc (09022015). Collection method: clinical testing. Allele origin: germline.
Comment: This sequence change replaces proline, which is neutral and non-polar, with threonine, which is neutral and polar, at codon 707 of the ZFR protein (p.Pro707Thr). This variant is not present in population databases (gnomAD no frequency). This variant has not been reported in the literature in individuals affected with ZFR-related conditions. Experimental studies and prediction algorithms are not available or were not evaluated, and the functional significance of this variant is currently unknown. In summary, the available evidence is currently insufficient to determine the role of this variant in disease. Therefore, it has been classified as a Variant of Uncertain Significance.

NM_016107.5(ZFR):c.2119C>A (p.Pro707Thr)

Gene: ZFR (zinc finger RNA binding protein; minus strand). Cytogenetic location: 5p13.3.
Variant type: single nucleotide variant.
Coding change: c.2119C>A on transcript NM_016107.5 (MANE Select); coding-DNA position 2119, C replaced by A.
Protein change: p.Pro707Thr; replaces proline 707 with threonine.
Molecular consequence: missense variant. On other transcripts: non-coding transcript variant (1).
Genome position (GRCh38, 1-based): chr5:32,390,298, G>T on the plus strand (C>A on the coding strand, the complement: ZFR is on the minus strand). VCF-style: chr5-32390298-G-T. GRCh37 (hg19) VCF-style: chr5-32390404-G-T.
Other names: short protein forms P707T.
Identifiers: ClinVar variation 3714405 (VCV003714405.2).
Genomic context (GRCh38, chr5:32,390,298, plus strand): 5'-AACTTTCACCCCTTGTATCACCAACGTGGACACTCACTGCAGGCCCCTGAGGCTGAGGAG[G>T]CATGCCTGGTCGGACTCCCAGAAGGCCTAATGGGCCTGGAGGACCATGAGGATAACCTCC-3'
Protein context (NP_057191.2, residues 697-717): LGLLGVRPGM[Pro707Thr]PQPQGPAPLR